The following is an entry in ClinVar:

ClinVar aggregate classification (germline): Likely pathogenic (1 of 4 stars; one submission).

Conditions:
Cortical dysplasia, complex, with other brain malformations 13. Also called: Intellectual disability, autosomal dominant 13. Identifiers: MedGen C3281202, MONDO:0013805, OMIM 614563.

Submission:

Greenwood Genetic Center Diagnostic Laboratories, Greenwood Genetic Center
Classification: Likely pathogenic for Cortical dysplasia, complex, with other brain malformations 13. Last evaluated: 2022-10-14. Review status: criteria provided, single submitter. Criteria: ACMG Guidelines, 2015. Collection method: clinical testing. Allele origin: germline. Affected: yes.
Comment: PVS1, PM2

NM_001376.5(DYNC1H1):c.4053G>A (p.Trp1351Ter)

Gene: DYNC1H1 (dynein cytoplasmic 1 heavy chain 1; plus strand). Cytogenetic location: 14q32.31.
Variant type: single nucleotide variant.
Coding change: c.4053G>A on transcript NM_001376.5 (MANE Select); coding-DNA position 4053, G replaced by A.
Protein change: p.Trp1351Ter; replaces tryptophan 1351 with a stop codon.
Molecular consequence: nonsense.
Genome position (GRCh38, 1-based): chr14:102,000,378, G>A. VCF-style: chr14-102000378-G-A. GRCh37 (hg19) VCF-style: chr14-102466715-G-A.
Other names: short protein forms W1351*.
Identifiers: ClinVar variation 2429075 (VCV002429075.4), dbSNP rs2503727339, ClinGen allele CA391039395.